The following is an entry in ClinVar:

NM_001009944.3(PKD1):c.7426T>A (p.Cys2476Ser)

Gene: PKD1 (polycystin 1, transient receptor potential channel interacting; minus strand). Cytogenetic location: 16p13.3.
Variant type: single nucleotide variant.
Coding change: c.7426T>A on transcript NM_001009944.3 (MANE Select); coding-DNA position 7426, T replaced by A.
Protein change: p.Cys2476Ser; replaces cysteine 2476 with serine.
Molecular consequence: missense variant.
Genome position (GRCh38, 1-based): chr16:2,106,461, A>T on the plus strand (T>A on the coding strand, the complement: PKD1 is on the minus strand). VCF-style: chr16-2106461-A-T. GRCh37 (hg19) VCF-style: chr16-2156462-A-T.
Other names: c.7426T>A, p.Cys2476Ser (NM_000296.4); short protein forms C2476S.
Identifiers: ClinVar variation 3382376 (VCV003382376.2).
Genomic context (GRCh38, chr16:2,106,461, plus strand): 5'-TGCATTCGAAGTGCACCTTGGTGGTGAGGGCGTGCACAGCGCCCAGTGGGAAGAGGCGGC[A>T]AGAGCCCCCCAGCGGCGGGCGGTTGGGGGACAGGCGGATGGAGGCGCAGCCCTCCTCCTC-3'
Protein context (NP_001009944.3, residues 2466-2486): SPNRPPLGGS[Cys2476Ser]RLFPLGAVHA

ClinVar aggregate classification (germline): Uncertain significance (1 of 4 stars; one submission).

Conditions:
Polycystic kidney disease, adult type (PKD1). Also called: POLYCYSTIC KIDNEY DISEASE, ADULT, TYPE I; Polycystic Kidney Disease 1, Autosomal Dominant; Polycystic kidney disease 1; Polycystic kidney disease 1, severe; Polycystic Kidney, Autosomal Dominant; POLYCYSTIC KIDNEY DISEASE 1 WITH OR WITHOUT POLYCYSTIC LIVER DISEASE. Identifiers: MedGen C3149841, MONDO:0008263, OMIM 173900.

Submission:

Juno Genomics, Hangzhou Juno Genomics, Inc
Classification: Uncertain significance for Polycystic kidney disease, adult type. Review status: criteria provided, single submitter. Criteria: ACMG Guidelines, 2015. Collection method: clinical testing. Allele origin: germline. Affected: yes.
Comment: Absent from controls (or at extremely low frequency if recessive) in Genome Aggregation Database, Exome Sequencing Project, 1000 Genomes Project, or Exome Aggregation Consortium.;Multiple lines of computational evidence support a deleterious effect on the gene or gene product (conservation, evolutionary, splicing impact, etc).;Patient's phenotype or family history is highly specific for a disease with a single genetic etiology.